The following is an entry in ClinVar:

ClinVar aggregate classification (germline): Uncertain significance (1 of 4 stars; one submission).

Conditions:
Tuberous sclerosis 1 (TSC1). Identifiers: Orphanet 805, MedGen C1854465, MONDO:0008612, OMIM 191100.

Submission:

Labcorp Genetics (formerly Invitae), Labcorp
Classification: Uncertain significance for Tuberous sclerosis 1. Last evaluated: 2022-06-22. Review status: criteria provided, single submitter. Criteria: Invitae Variant Classification Sherloc (09022015). Collection method: clinical testing. Allele origin: germline.
Comment: In summary, the available evidence is currently insufficient to determine the role of this variant in disease. Therefore, it has been classified as a Variant of Uncertain Significance. Algorithms developed to predict the effect of missense changes on protein structure and function are either unavailable or do not agree on the potential impact of this missense change (SIFT: "Tolerated"; PolyPhen-2: "Probably Damaging"; Align-GVGD: "Class C0"). This variant has not been reported in the literature in individuals affected with TSC1-related conditions. This variant is not present in population databases (gnomAD no frequency). This sequence change replaces alanine, which is neutral and non-polar, with valine, which is neutral and non-polar, at codon 182 of the TSC1 protein (p.Ala182Val).

NM_000368.5(TSC1):c.545C>T (p.Ala182Val)

Gene: TSC1 (TSC complex subunit 1; minus strand). Cytogenetic location: 9q34.13.
Variant type: single nucleotide variant.
Coding change: c.545C>T on transcript NM_000368.5 (MANE Select); coding-DNA position 545, C replaced by T.
Protein change: p.Ala182Val; replaces alanine 182 with valine.
Molecular consequence: missense variant.
Genome position (GRCh38, 1-based): chr9:132,921,937, G>A on the plus strand (C>T on the coding strand, the complement: TSC1 is on the minus strand). VCF-style: chr9-132921937-G-A. GRCh37 (hg19) VCF-style: chr9-135797324-G-A.
Other names: c.545C>T, p.Ala182Val (NM_001162426.2, NM_001406592.1, NM_001406593.1 and 16 more transcripts); c.392C>T, p.Ala131Val (NM_001162427.2, NM_001406610.1, NM_001406611.1 and 2 more transcripts); c.182C>T, p.Ala61Val (NM_001362177.2, NM_001406614.1, NM_001406615.1 and 10 more transcripts); c.-333C>T (NM_001406626.1, NM_001406627.1, NM_001406628.1); c.-475C>T (NM_001406629.1); c.-549C>T (NM_001406630.1); short protein forms A131V, A61V, A182V.
Identifiers: ClinVar variation 2007117 (VCV002007117.4), dbSNP rs2132159356, ClinGen allele CA375372798.